The following is an entry in ClinVar:

NM_002432.3(MNDA):c.157G>A (p.Glu53Lys)

Gene: MNDA (myeloid cell nuclear differentiation antigen; plus strand). Cytogenetic location: 1q23.1.
Variant type: single nucleotide variant.
Coding change: c.157G>A on transcript NM_002432.3 (MANE Select); coding-DNA position 157, G replaced by A.
Protein change: p.Glu53Lys; replaces glutamic acid 53 with lysine.
Molecular consequence: missense variant.
Genome position (GRCh38, 1-based): chr1:158,842,310, G>A. VCF-style: chr1-158842310-G-A. GRCh37 (hg19) VCF-style: chr1-158812100-G-A.
Other names: short protein forms E53K.
Identifiers: ClinVar variation 2448170 (VCV002448170.2), dbSNP rs2526075158, ClinGen allele CA343036928.
Genomic context (GRCh38, chr1:158,842,310, plus strand): 5'-TTAGGACTAACTACAAAAATGCAAGAGGAATACAACAGAATTAAGATTACAGATTTGATG[G>A]AAAAAAAGTTCCAAGGCGTTGCCTGTCTAGACAAACTAATAGAACTTGCCAAAGATATGC-3'
Protein context (NP_002423.1, residues 43-63): YNRIKITDLM[Glu53Lys]KKFQGVACLD

ClinVar aggregate classification (germline): Uncertain significance (1 of 4 stars; one submission).

Submission:

Ambry Genetics
Classification: Uncertain significance. Last evaluated: 2023-01-01. Review status: criteria provided, single submitter. Criteria: Ambry Variant Classification Scheme 2023. Collection method: clinical testing. Allele origin: germline.
Comment: The p.E53K variant (also known as c.157G>A), located in coding exon 1 of the MNDA gene, results from a G to A substitution at nucleotide position 157. The glutamic acid at codon 53 is replaced by lysine, an amino acid with similar properties. This amino acid position is conserved. In addition, this alteration is predicted to be tolerated by in silico analysis. Since supporting evidence is limited at this time, the clinical significance of this alteration remains unclear.